The following is an entry in ClinVar:

NM_001783.4(CD79A):c.394C>A (p.Pro132Thr)

Genes: CD79A (CD79a molecule; plus strand), RPS19-CD79A (RPS19-CD79A readthrough; plus strand). Cytogenetic location: 19q13.2.
Variant type: single nucleotide variant.
Coding change: c.394C>A on transcript NM_001783.4 (MANE Select); coding-DNA position 394, C replaced by A.
Protein change: p.Pro132Thr; replaces proline 132 with threonine.
Molecular consequence: missense variant.
Genome position (GRCh38, 1-based): chr19:41,879,549, C>A. VCF-style: chr19-41879549-C-A. GRCh37 (hg19) VCF-style: chr19-42383619-C-A.
Other names: c.280C>A, p.Pro94Thr (NM_021601.4); short protein forms P94T, P132T.
Identifiers: ClinVar variation 2157780 (VCV002157780.3), dbSNP rs782751776, ClinGen allele CA406035970.

ClinVar aggregate classification (germline): Uncertain significance (1 of 4 stars; one submission).

Conditions:
Agammaglobulinemia 3, autosomal recessive (AGM3). Also called: AGAMMAGLOBULINEMIA 3; AGAMMAGLOBULINEMIA, AUTOSOMAL RECESSIVE, DUE TO CD79A DEFECT. Identifiers: MedGen C3150751, MONDO:0013288, OMIM 613501.

Allele frequency attached by ClinVar (database versions not stated): TOPMed 0.00001.

Submission:

Labcorp Genetics (formerly Invitae), Labcorp
Classification: Uncertain significance for Agammaglobulinemia 3, autosomal recessive. Last evaluated: 2022-02-22. Review status: criteria provided, single submitter. Criteria: Invitae Variant Classification Sherloc (09022015). Collection method: clinical testing. Allele origin: germline.
Comment: This variant has not been reported in the literature in individuals affected with CD79A-related conditions. This sequence change replaces proline, which is neutral and non-polar, with threonine, which is neutral and polar, at codon 132 of the CD79A protein (p.Pro132Thr). This variant is not present in population databases (gnomAD no frequency). Algorithms developed to predict the effect of missense changes on protein structure and function are either unavailable or do not agree on the potential impact of this missense change (SIFT: "Tolerated"; PolyPhen-2: "Probably Damaging"; Align-GVGD: "Class C0"). In summary, the available evidence is currently insufficient to determine the role of this variant in disease. Therefore, it has been classified as a Variant of Uncertain Significance.